The following is an entry in ClinVar:

NM_201384.3(PLEC):c.9430G>A (p.Val3144Met)

Gene: PLEC (plectin; minus strand). Cytogenetic location: 8q24.3.
Variant type: single nucleotide variant.
Coding change: c.9430G>A on transcript NM_201384.3 (MANE Select); coding-DNA position 9430, G replaced by A.
Protein change: p.Val3144Met; replaces valine 3144 with methionine.
Molecular consequence: missense variant.
Genome position (GRCh38, 1-based): chr8:143,920,391, C>T on the plus strand (G>A on the coding strand, the complement: PLEC is on the minus strand). VCF-style: chr8-143920391-C-T. GRCh37 (hg19) VCF-style: chr8-144994559-C-T.
Other names: c.9511G>A, p.Val3171Met (NM_000445.5); c.6130G>A, p.Val2044Met (NM_001410941.1); c.9388G>A, p.Val3130Met (NM_201378.4); c.9364G>A, p.Val3122Met (NM_201379.3); c.9841G>A, p.Val3281Met (NM_201380.4); c.9334G>A, p.Val3112Met (NM_201381.3); c.9430G>A, p.Val3144Met (NM_201382.4); c.9442G>A, p.Val3148Met (NM_201383.3); and 1 more; short protein forms V2044M, V3171M, V3112M, V3144M, V3281M, V3148M, V3122M, V3130M.
Identifiers: ClinVar variation 2930216 (VCV002930216.4), dbSNP rs781839381, ClinGen allele CA4924970.

ClinVar aggregate classification (germline): Uncertain significance. Review status: criteria provided, multiple submitters, no conflicts (2 of 4 stars). 2 submissions from 2 submitters: Uncertain significance (2). Last evaluated 2023-12-18.

Conditions:
Epidermolysis bullosa simplex with nail dystrophy (EBS5D). Identifiers: MedGen C4225309, MONDO:0014661, OMIM 616487.
Epidermolysis bullosa simplex 5B, with muscular dystrophy (EBS5B). Also called: EPIDERMOLYSIS BULLOSA SIMPLEX AND LIMB-GIRDLE MUSCULAR DYSTROPHY; Epidermolysis bullosa simplex with muscular dystrophy. Identifiers: Orphanet 257, MedGen C2931072, MONDO:0009181, OMIM 226670.
Epidermolysis bullosa simplex 5C, with pyloric atresia (EBS5C). Also called: PLEC-Related Epidermolysis Bullosa with Pyloric Atresia; Epidermolysis bullosa simplex with pyloric atresia; PLEC1-Related Epidermolysis Bullosa with Pyloric Atresia. Identifiers: Orphanet 158684, MedGen C2677349, MONDO:0012807, OMIM 612138.
Autosomal recessive limb-girdle muscular dystrophy type 2Q (LGMDR17). Also called: MUSCULAR DYSTROPHY, LIMB-GIRDLE, AUTOSOMAL RECESSIVE 17. Identifiers: Orphanet 254361, MedGen C3150989, MONDO:0013390, OMIM 613723.
Epidermolysis bullosa simplex, Ogna type (EBS5A). Also called: Pidermolysis bullosa simplex 5A, Ogna type; EPIDERMOLYSIS BULLOSA SIMPLEX 5A, OGNA TYPE. Identifiers: Orphanet 79401, MedGen C0432317, MONDO:0007555, OMIM 131950.
Inborn genetic diseases. Identifiers: MedGen C0950123, MeSH D030342.

Allele frequency attached by ClinVar (database versions not stated): ExAC 0.00001; gnomAD 0.00001; gnomAD exomes 0.00001; TOPMed 0.00003.
gnomAD v4.1: 15 of 1,590,528 alleles (0.00094%); highest among the groups gnomAD compares: African/African-American, 0.0027%; no homozygotes.

Submissions (2):

Ambry Genetics
Classification: Uncertain significance for Inborn genetic diseases. Last evaluated: 2023-12-18. Review status: criteria provided, single submitter. Criteria: Ambry Variant Classification Scheme 2023. Collection method: clinical testing. Allele origin: germline.

Labcorp Genetics (formerly Invitae), Labcorp
Classification: Uncertain significance for Autosomal recessive limb-girdle muscular dystrophy type 2Q; Epidermolysis bullosa simplex, Ogna type; Epidermolysis bullosa simplex with nail dystrophy; Epidermolysis bullosa simplex 5C, with pyloric atresia; Epidermolysis bullosa simplex 5B, with muscular dystrophy. Last evaluated: 2023-01-09. Review status: criteria provided, single submitter. Criteria: Invitae Variant Classification Sherloc (09022015). Collection method: clinical testing. Allele origin: germline.
Comment: This sequence change replaces valine, which is neutral and non-polar, with methionine, which is neutral and non-polar, at codon 3171 of the PLEC protein (p.Val3171Met). In summary, the available evidence is currently insufficient to determine the role of this variant in disease. Therefore, it has been classified as a Variant of Uncertain Significance. Algorithms developed to predict the effect of missense changes on protein structure and function are either unavailable or do not agree on the potential impact of this missense change (SIFT: "Deleterious"; PolyPhen-2: "Probably Damaging"; Align-GVGD: "Class C0"). This variant has not been reported in the literature in individuals affected with PLEC-related conditions. The frequency data for this variant in the population databases is considered unreliable, as metrics indicate poor data quality at this position in the gnomAD database.